The following is an entry in ClinVar:

NM_001374736.1(DST):c.18695C>T (p.Ala6232Val)

Gene: DST (dystonin; minus strand). Cytogenetic location: 6p12.1.
Variant type: single nucleotide variant.
Coding change: c.18695C>T on transcript NM_001374736.1 (MANE Select); coding-DNA position 18695, C replaced by T.
Protein change: p.Ala6232Val; replaces alanine 6232 with valine.
Molecular consequence: missense variant.
Genome position (GRCh38, 1-based): chr6:56,511,282, G>A on the plus strand (C>T on the coding strand, the complement: DST is on the minus strand). VCF-style: chr6-56511282-G-A. GRCh37 (hg19) VCF-style: chr6-56376080-G-A.
Other names: c.12338C>T, p.Ala4113Val (NM_001144769.5); c.11924C>T, p.Ala3975Val (NM_001144770.2); c.18695C>T, p.Ala6232Val (NM_001374722.1); c.17735C>T, p.Ala5912Val (NM_001374729.1); c.11477C>T, p.Ala3826Val (NM_001374730.1); c.18722C>T, p.Ala6241Val (NM_001374734.1); c.11804C>T, p.Ala3935Val (NM_001386100.1, NM_183380.4); c.10826C>T, p.Ala3609Val (NM_015548.5); short protein forms A3609V, A3826V, A3935V, A3975V, A4113V, A5912V, A6232V, A6241V.
Identifiers: ClinVar variation 1064030 (VCV001064030.7), dbSNP rs1325313154, ClinGen allele CA364502171.

ClinVar aggregate classification (germline): Uncertain significance (1 of 4 stars; one submission).

Conditions:
Hereditary sensory and autonomic neuropathy type 6. Also called: HSAN VI; Neuropathy, hereditary sensory and autonomic, type VI. Identifiers: Orphanet 314381, MedGen C3539003, MONDO:0013839, OMIM 614653.
Epidermolysis bullosa simplex 3, localized or generalized intermediate, with BP230 deficiency (EBS3). Also called: Epidermolysis bullosa simplex due to BP230 deficiency; Epidermolysis bullosa simplex, autosomal recessive 2. Identifiers: Orphanet 412181, MedGen C3809470, MONDO:0014180, OMIM 615425.

Allele frequency attached by ClinVar (database versions not stated): gnomAD exomes below 0.00001.
gnomAD v4.1: 1 of 1,603,264 alleles (0.000062%); no homozygotes.

Submission:

Labcorp Genetics (formerly Invitae), Labcorp
Classification: Uncertain significance for Epidermolysis bullosa simplex 3, localized or generalized intermediate, with BP230 deficiency; Hereditary sensory and autonomic neuropathy type 6. Last evaluated: 2020-05-20. Review status: criteria provided, single submitter. Criteria: Invitae Variant Classification Sherloc (09022015). Collection method: clinical testing. Allele origin: germline.
Comment: In summary, the available evidence is currently insufficient to determine the role of this variant in disease. Therefore, it has been classified as a Variant of Uncertain Significance. Experimental studies and prediction algorithms are not available or were not evaluated, and the functional significance of this variant is currently unknown. This variant has not been reported in the literature in individuals with DST-related conditions. This variant is not present in population databases (ExAC no frequency). This sequence change replaces alanine with valine at codon 3609 of the DST protein (p.Ala3609Val). The alanine residue is moderately conserved and there is a small physicochemical difference between the two amino acids. The DST gene has multiple clinically relevant transcripts. This variant occurs in alternate transcript NM_015548.4, and corresponds to NM_001723.5:c.*104235C>T in the primary transcript.